The following is an entry in ClinVar:

ClinVar aggregate classification (germline): Uncertain significance (1 of 4 stars; one submission).

Submission:

GeneDx
Classification: Uncertain significance. Last evaluated: 2025-07-15. Review status: criteria provided, single submitter. Criteria: GeneDx Variant Classification Process June 2021. Collection method: clinical testing. Allele origin: germline. Affected: yes.
Comment: Not observed at significant frequency in large population cohorts (gnomAD); In silico analysis suggests that this missense variant does not alter protein structure/function; Has not been previously published as pathogenic or benign to our knowledge; This variant is associated with the following publications: (PMID: 21139634, 26094131)

NM_014946.4(SPAST):c.226G>A (p.Val76Met)

Gene: SPAST (spastin; plus strand). Cytogenetic location: 2p22.3.
Variant type: single nucleotide variant.
Coding change: c.226G>A on transcript NM_014946.4 (MANE Select); coding-DNA position 226, G replaced by A.
Protein change: p.Val76Met; replaces valine 76 with methionine.
Molecular consequence: missense variant.
Genome position (GRCh38, 1-based): chr2:32,064,057, G>A. VCF-style: chr2-32064057-G-A. GRCh37 (hg19) VCF-style: chr2-32289126-G-A.
Other names: c.226G>A, p.Val76Met (NM_001363823.2, NM_001363875.2, NM_001377959.1 and 1 more transcripts); short protein forms V76M.
Identifiers: ClinVar variation 4686186 (VCV004686186.1).